The following is an entry in ClinVar:

ClinVar aggregate classification (germline): Uncertain significance (1 of 4 stars; one submission).

Conditions:
Hereditary cancer-predisposing syndrome. Also called: Hereditary Cancer Syndrome; Hereditary neoplastic syndrome; Neoplastic Syndromes, Hereditary; Tumor predisposition. Identifiers: Orphanet 140162, MedGen C0027672, MeSH D009386, MONDO:0015356.

gnomAD v4.1: 1 of 1,614,140 alleles (0.000062%); highest among the groups gnomAD compares: East Asian, 0.0022%; no homozygotes.

Submission:

Ambry Genetics
Classification: Uncertain significance for Hereditary cancer-predisposing syndrome. Last evaluated: 2022-07-26. Review status: criteria provided, single submitter. Criteria: Ambry Variant Classification Scheme 2023. Collection method: clinical testing. Allele origin: germline.
Comment: The p.S151A variant (also known as c.451T>G), located in coding exon 3 of the TMEM127 gene, results from a T to G substitution at nucleotide position 451. The serine at codon 151 is replaced by alanine, an amino acid with similar properties. This amino acid position is conserved. In addition, this alteration is predicted to be deleterious by in silico analysis. Since supporting evidence is limited at this time, the clinical significance of this alteration remains unclear.

NM_017849.4(TMEM127):c.451T>G (p.Ser151Ala)

Gene: TMEM127 (transmembrane protein 127; minus strand). Cytogenetic location: 2q11.2.
Variant type: single nucleotide variant.
Coding change: c.451T>G on transcript NM_017849.4 (MANE Select); coding-DNA position 451, T replaced by G.
Protein change: p.Ser151Ala; replaces serine 151 with alanine.
Molecular consequence: missense variant.
Genome position (GRCh38, 1-based): chr2:96,254,074, A>C on the plus strand (T>G on the coding strand, the complement: TMEM127 is on the minus strand). VCF-style: chr2-96254074-A-C. GRCh37 (hg19) VCF-style: chr2-96919812-A-C.
Other names: c.451T>G, p.Ser151Ala (NM_001193304.3); c.199T>G, p.Ser67Ala (NM_001407282.1, NM_001407283.1); short protein forms S67A, S151A.
Identifiers: ClinVar variation 1741208 (VCV001741208.2), dbSNP rs964860224, ClinGen allele CA347652983.